The following is an entry in ClinVar:

NM_153704.6(TMEM67):c.2351G>A (p.Cys784Tyr)

Gene: TMEM67 (transmembrane protein 67; plus strand). Cytogenetic location: 8q22.1.
Variant type: single nucleotide variant.
Coding change: c.2351G>A on transcript NM_153704.6 (MANE Select); coding-DNA position 2351, G replaced by A.
Protein change: p.Cys784Tyr; replaces cysteine 784 with tyrosine.
Molecular consequence: missense variant. On other transcripts: non-coding transcript variant (1).
Genome position (GRCh38, 1-based): chr8:93,804,790, G>A. VCF-style: chr8-93804790-G-A. GRCh37 (hg19) VCF-style: chr8-94817018-G-A.
Other names: c.2108G>A, p.Cys703Tyr (NM_001142301.1); short protein forms C703Y, C784Y.
Identifiers: ClinVar variation 654778 (VCV000654778.8), dbSNP rs1328212583, ClinGen allele CA371698021.

ClinVar aggregate classification (germline): Uncertain significance (1 of 4 stars; one submission).

Conditions:
Meckel-Gruber syndrome. Also called: Dysencephalia splachnocystica; DYSENCEPHALIA SPLANCHNOCYSTICA; GRUBER SYNDROME. Identifiers: Orphanet 564, MedGen C0265215, MONDO:0018921.
Joubert syndrome. Also called: Familial aplasia of the vermis; CEREBELLOPARENCHYMAL DISORDER IV; JOUBERT-BOLTSHAUSER SYNDROME. Identifiers: Orphanet 475, MedGen C5979921, MONDO:0018772.

Allele frequency attached by ClinVar (database versions not stated): gnomAD exomes below 0.00001; TOPMed below 0.00001.
gnomAD v4.1: 1 of 1,605,900 alleles (0.000062%); highest among the groups gnomAD compares: South Asian, 0.0011%; no homozygotes.

Submission:

Labcorp Genetics (formerly Invitae), Labcorp
Classification: Uncertain significance for Joubert syndrome; Meckel-Gruber syndrome. Last evaluated: 2021-08-27. Review status: criteria provided, single submitter. Criteria: Invitae Variant Classification Sherloc (09022015). Collection method: clinical testing. Allele origin: germline.
Comment: This sequence change replaces cysteine with tyrosine at codon 784 of the TMEM67 protein (p.Cys784Tyr). The cysteine residue is moderately conserved and there is a large physicochemical difference between cysteine and tyrosine. This variant is not present in population databases (ExAC no frequency). This variant has not been reported in the literature in individuals affected with TMEM67-related conditions. Algorithms developed to predict the effect of missense changes on protein structure and function (SIFT, PolyPhen-2, Align-GVGD) all suggest that this variant is likely to be tolerated. In summary, the available evidence is currently insufficient to determine the role of this variant in disease. Therefore, it has been classified as a Variant of Uncertain Significance.